The following is an entry in ClinVar:

ClinVar aggregate classification (germline): Uncertain significance (1 of 4 stars; one submission).

Conditions:
Leber congenital amaurosis 17 (LCA17). Identifiers: Orphanet 65, MedGen C3715164, MONDO:0014145, OMIM 615360.
Isolated microphthalmia 4. Identifiers: Orphanet 2542, MedGen C2751307, MONDO:0013130, OMIM 613094.
Klippel-Feil syndrome 1, autosomal dominant (KFS1). Also called: CERVICAL VERTEBRAL FUSION, AUTOSOMAL DOMINANT. Identifiers: Orphanet 2345, MedGen C1861689, MONDO:0007306, OMIM 118100.
Microphthalmia, isolated, with coloboma 6 (MCOPCB6). Also called: MICROPHTHALMIA/COLOBOMA 6; Microphthalmia with coloboma 6, digenic; Microphthalmia with coloboma 6. Identifiers: Orphanet 98938, MedGen C3150968, MONDO:0013376, OMIM 613703.

gnomAD v4.1: 1 of 1,502,102 alleles (0.000067%); highest among the groups gnomAD compares: Non-Finnish European, 0.000088%; no homozygotes.

Submission:

Labcorp Genetics (formerly Invitae), Labcorp
Classification: Uncertain significance for Isolated microphthalmia 4; Leber congenital amaurosis 17; Klippel-Feil syndrome 1, autosomal dominant; Microphthalmia, isolated, with coloboma 6. Last evaluated: 2023-06-10. Review status: criteria provided, single submitter. Criteria: Invitae Variant Classification Sherloc (09022015). Collection method: clinical testing. Allele origin: germline.
Comment: In summary, the available evidence is currently insufficient to determine the role of this variant in disease. Therefore, it has been classified as a Variant of Uncertain Significance. An algorithm developed to predict the effect of missense changes on protein structure and function (PolyPhen-2) suggests that this variant is likely to be tolerated. This variant has not been reported in the literature in individuals affected with GDF6-related conditions. This variant is not present in population databases (gnomAD no frequency). This sequence change replaces alanine, which is neutral and non-polar, with proline, which is neutral and non-polar, at codon 242 of the GDF6 protein (p.Ala242Pro).

NM_001001557.4(GDF6):c.724G>C (p.Ala242Pro)

Gene: GDF6 (growth differentiation factor 6; minus strand). Cytogenetic location: 8q22.1.
Variant type: single nucleotide variant.
Coding change: c.724G>C on transcript NM_001001557.4 (MANE Select); coding-DNA position 724, G replaced by C.
Protein change: p.Ala242Pro; replaces alanine 242 with proline.
Molecular consequence: missense variant.
Genome position (GRCh38, 1-based): chr8:96,145,207, C>G on the plus strand (G>C on the coding strand, the complement: GDF6 is on the minus strand). VCF-style: chr8-96145207-C-G. GRCh37 (hg19) VCF-style: chr8-97157435-C-G.
Other names: short protein forms A242P.
Identifiers: ClinVar variation 2934659 (VCV002934659.3), dbSNP rs755044459, ClinGen allele CA371751990.